The following is an entry in ClinVar:

ClinVar aggregate classification (germline): Likely benign (1 of 4 stars; one submission).

Allele frequency attached by ClinVar (database versions not stated): ExAC 0.00002; gnomAD 0.00002; TOPMed 0.00003; gnomAD exomes 0.00006.

Submission:

CeGaT Center for Human Genetics Tuebingen
Classification: Likely benign. Last evaluated: 2023-04-01. Review status: criteria provided, single submitter. Criteria: CeGaT Center For Human Genetics Tuebingen Variant Classification Criteria Version 2. Collection method: clinical testing. Allele origin: germline. Affected: yes. Observed: 1 variant allele.
Comment: GPI: BP4, BP7

NM_000175.5(GPI):c.1122G>A (p.Gln374=)

Gene: GPI (glucose-6-phosphate isomerase; plus strand). Cytogenetic location: 19q13.11.
Variant type: single nucleotide variant.
Coding change: c.1122G>A on transcript NM_000175.5 (MANE Select); coding-DNA position 1122, G replaced by A.
Protein change: p.Gln374=; no amino-acid change (glutamine 374 retained).
Molecular consequence: synonymous variant.
Genome position (GRCh38, 1-based): chr19:34,396,360, G>A. VCF-style: chr19-34396360-G-A. GRCh37 (hg19) VCF-style: chr19-34887265-G-A.
Other names: c.1155G>A, p.Gln385= (NM_001184722.1); c.1239G>A, p.Gln413= (NM_001289789.1); c.1038G>A, p.Gln346= (NM_001289790.3); c.1122G>A, p.Gln374= (NM_001329909.1, NM_001329910.1, NM_001329911.2).
Identifiers: ClinVar variation 2649706 (VCV002649706.24), dbSNP rs770704323, ClinGen allele CA9367353.